The following is an entry in ClinVar:

NM_020975.6(RET):c.1079G>A (p.Arg360Gln)

Gene: RET (ret proto-oncogene; plus strand). Cytogenetic location: 10q11.21.
Variant type: single nucleotide variant.
Coding change: c.1079G>A on transcript NM_020975.6 (MANE Select); coding-DNA position 1079, G replaced by A.
Protein change: p.Arg360Gln; replaces arginine 360 with glutamine.
Molecular consequence: missense variant.
Genome position (GRCh38, 1-based): chr10:43,109,046, G>A. VCF-style: chr10-43109046-G-A. GRCh37 (hg19) VCF-style: chr10-43604494-G-A.
Other names: c.1079G>A, p.Arg360Gln (NM_000323.2, NM_001406743.1, NM_001406744.1 and 6 more transcripts); c.317G>A, p.Arg106Gln (NM_001355216.2); c.950G>A, p.Arg317Gln (NM_001406761.1, NM_001406762.1, NM_001406764.1 and 1 more transcripts); c.791G>A, p.Arg264Gln (NM_001406766.1, NM_001406767.1, NM_001406770.1); c.641G>A, p.Arg214Gln (NM_001406771.1, NM_001406773.1); c.353G>A, p.Arg118Gln (NM_001406775.1, NM_001406776.1, NM_001406777.1 and 1 more transcripts); c.89G>A, p.Arg30Gln (NM_001406784.1); short protein forms R360Q, R106Q, R118Q, R214Q, R264Q, R317Q, R30Q.
Identifiers: ClinVar variation 543747 (VCV000543747.18), dbSNP rs762472027, ClinGen allele CA031401.
Genomic context (GRCh38, chr10:43,109,046, plus strand): 5'-GCAGCCAGAGCAGCTTGGTGGTCATTGTTGTGCCCCTACCTGCAGGGCTGGTTCTCAACC[G>A]GAACCTCTCCATCTCGGAGAACCGCACCATGCAGCTGGCGGTGCTGGTCAATGACTCAGA-3'
Protein context (NP_066124.1, residues 350-370): TVHDYRLVLN[Arg360Gln]NLSISENRTM

ClinVar aggregate classification (germline): Uncertain significance. Review status: criteria provided, multiple submitters, no conflicts (2 of 4 stars). 5 submissions from 5 submitters: Uncertain significance (5). Last evaluated 2025-11-03.

Conditions:
Hereditary cancer-predisposing syndrome. Also called: Neoplastic Syndromes, Hereditary; Hereditary Cancer Syndrome; Tumor predisposition; Hereditary neoplastic syndrome. Identifiers: Orphanet 140162, MedGen C0027672, MeSH D009386, MONDO:0015356.
Multiple endocrine neoplasia, type 2 (MEN2). Identifiers: Orphanet 653, MedGen C4048306, MONDO:0019003. Disease mechanism: gain of function.
Hirschsprung disease, susceptibility to, 1 (HSCR1). Also called: RET-Related Hirschsprung Disease. Identifiers: Orphanet 388, MedGen C3888239, MONDO:0007723, OMIM 142623.

Allele frequency attached by ClinVar (database versions not stated): TOPMed below 0.00001; gnomAD exomes 0.00001; ExAC 0.00002.
gnomAD v4.1: 8 of 1,613,218 alleles (0.0005%); highest among the groups gnomAD compares: Admixed American, 0.0033%; no homozygotes.

Submissions (5):

Labcorp Genetics (formerly Invitae), Labcorp
Classification: Uncertain significance for Multiple endocrine neoplasia, type 2. Last evaluated: 2025-11-03. Review status: criteria provided, single submitter. Criteria: Invitae Variant Classification Sherloc (09022015). Collection method: clinical testing. Allele origin: germline.
Comment: This sequence change replaces arginine, which is basic and polar, with glutamine, which is neutral and polar, at codon 360 of the RET protein (p.Arg360Gln). This variant is present in population databases (rs762472027, gnomAD 0.006%). This missense change has been observed in individual(s) with Hirschsprung disease (PMID: 22174939). ClinVar contains an entry for this variant (Variation ID: 543747). An algorithm developed to predict the effect of missense changes on protein structure and function outputs the following: PolyPhen-2: "Benign". The glutamine amino acid residue is found in multiple mammalian species, which suggests that this missense change does not adversely affect protein function. In summary, the available evidence is currently insufficient to determine the role of this variant in disease. Therefore, it has been classified as a Variant of Uncertain Significance.

Ambry Genetics
Classification: Uncertain significance for Hereditary cancer-predisposing syndrome. Last evaluated: 2025-07-17. Review status: criteria provided, single submitter. Criteria: Ambry Variant Classification Scheme 2023. Collection method: clinical testing. Allele origin: germline.
Comment: The p.R360Q variant (also known as c.1079G>A), located in coding exon 6 of the RET gene, results from a G to A substitution at nucleotide position 1079. The arginine at codon 360 is replaced by glutamine, an amino acid with highly similar properties. This amino acid position is well conserved in available vertebrate species. In addition, this alteration is predicted to be tolerated by in silico analysis. Since supporting evidence is limited at this time, the clinical significance of this alteration remains unclear.

GeneDx
Classification: Uncertain significance. Last evaluated: 2024-03-04. Review status: criteria provided, single submitter. Criteria: GeneDx Variant Classification Process June 2021. Collection method: clinical testing. Allele origin: germline. Affected: yes.
Comment: Not observed at significant frequency in large population cohorts (gnomAD); In silico analysis supports that this missense variant does not alter protein structure/function; Identified in an individual with Hirschsprung disease (PMID: 22174939); This variant is associated with the following publications: (PMID: 14633923, Huret2020[article], 26986070, 29538669, 22174939)

Quest Diagnostics Nichols Institute San Juan Capistrano
Classification: Uncertain significance. Last evaluated: 2024-01-23. Review status: criteria provided, single submitter. Criteria: Quest Diagnostics criteria. Collection method: clinical testing. Allele origin: unknown.

Baylor Genetics
Classification: Uncertain significance for Hirschsprung disease, susceptibility to, 1. Last evaluated: 2023-07-17. Review status: criteria provided, single submitter. Criteria: ACMG Guidelines, 2015. Collection method: clinical testing. Allele origin: unknown.

Literature cited by the submitters: PubMed 22174939 (cited by Labcorp Genetics (formerly Invitae), Labcorp and Quest Diagnostics Nichols Institute San Juan Capistrano); PubMed 33692861 (cited by Quest Diagnostics Nichols Institute San Juan Capistrano).